The following is an entry in ClinVar:

NM_005422.4(TECTA):c.2367+9C>T

Genes: TBCEL-TECTA (TBCEL-TECTA readthrough; plus strand), TECTA (tectorin alpha; plus strand). Cytogenetic location: 11q23.3.
Variant type: single nucleotide variant.
Coding change: c.2367+9C>T on transcript NM_005422.4 (MANE Select); 9 bases into the intron after coding-DNA position 2367, C replaced by T.
Molecular consequence: intron variant.
Genome position (GRCh38, 1-based): chr11:121,128,353, C>T. VCF-style: chr11-121128353-C-T. GRCh37 (hg19) VCF-style: chr11-120999062-C-T.
Other names: c.3324+9C>T (NM_001378761.1).
Identifiers: ClinVar variation 303007 (VCV000303007.23), dbSNP rs368080945, ClinGen allele CA6326971.

ClinVar aggregate classification (germline): Conflicting classifications of pathogenicity. Review status: criteria provided, conflicting classifications (1 of 4 stars). 6 submissions from 5 submitters: Uncertain significance (1); Likely benign (5). Last evaluated 2024-12-23.

Conditions:
Autosomal recessive nonsyndromic hearing loss 21. Identifiers: Orphanet 90636, MedGen C1863655, MONDO:0011351, OMIM 603629.
Autosomal dominant nonsyndromic hearing loss 12. Also called: DEAFNESS, AUTOSOMAL DOMINANT 8. Identifiers: Orphanet 90635, MedGen C1832187, MONDO:0011102, OMIM 601543.

Allele frequency attached by ClinVar (database versions not stated): gnomAD exomes 0.00008 and 0.00025; ExAC 0.00020; 1000 Genomes Project 0.00060; gnomAD 0.00073 and 0.00079; ESP Exome Variant Server 0.00078; TOPMed 0.00091.
gnomAD v4.1: 241 of 1,598,956 alleles (0.015%); highest among the groups gnomAD compares: African/African-American, 0.28%; 2 homozygotes.

Submissions (6):

Labcorp Genetics (formerly Invitae), Labcorp
Classification: Likely benign. Last evaluated: 2024-12-23. Review status: criteria provided, single submitter. Criteria: Invitae Variant Classification Sherloc (09022015). Collection method: clinical testing. Allele origin: germline.

Blueprint Genetics
Classification: Likely benign. Last evaluated: 2024-10-22. Review status: criteria provided, single submitter. Criteria: ACMG Guidelines, 2015. Collection method: clinical testing. Allele origin: germline.

GeneDx
Classification: Likely benign. Last evaluated: 2018-10-30. Review status: criteria provided, single submitter. Criteria: GeneDx Variant Classification Process June 2021. Collection method: clinical testing. Allele origin: germline. Affected: yes.

ARUP Laboratories, Molecular Genetics and Genomics, ARUP Laboratories
Classification: Likely benign. Last evaluated: 2018-09-28. Review status: criteria provided, single submitter. Criteria: ARUP Molecular Germline Variant Investigation Process. Collection method: clinical testing. Allele origin: germline.

Illumina Laboratory Services, Illumina
Classification: Likely benign for Autosomal dominant nonsyndromic hearing loss 12. Last evaluated: 2018-01-12. Review status: criteria provided, single submitter. Criteria: ICSL Variant Classification Criteria 13 December 2019. Collection method: clinical testing. Allele origin: germline.
Comment: This variant was observed in the ICSL laboratory as part of a predisposition screen in an ostensibly healthy population. It had not been previously curated by ICSL or reported in the Human Gene Mutation Database (HGMD: prior to June 1st, 2018), and was therefore a candidate for classification through an automated scoring system. Utilizing variant allele frequency, disease prevalence and penetrance estimates, and inheritance mode, an automated score was calculated to assess if this variant is too frequent to cause the disease. Based on the score and internal cut-off values, a variant classified as likely benign is not then subjected to further curation. The score for this variant resulted in a classification of likely benign for this disease.

Illumina Laboratory Services, Illumina
Classification: Uncertain significance for Autosomal recessive nonsyndromic hearing loss 21. Last evaluated: 2018-01-12. Review status: criteria provided, single submitter. Criteria: ICSL Variant Classification Criteria 13 December 2019. Collection method: clinical testing. Allele origin: germline.